The following is an entry in ClinVar:

ClinVar aggregate classification (germline): Uncertain significance (1 of 4 stars; one submission).

Submission:

Labcorp Genetics (formerly Invitae), Labcorp
Classification: Uncertain significance. Last evaluated: 2024-10-18. Review status: criteria provided, single submitter. Criteria: Invitae Variant Classification Sherloc (09022015). Collection method: clinical testing. Allele origin: germline.
Comment: This sequence change creates a premature translational stop signal (p.Gln194*) in the TRMT5 gene. It is expected to result in an absent or disrupted protein product. However, the current clinical and genetic evidence is not sufficient to establish whether loss-of-function variants in TRMT5 cause disease. This variant is not present in population databases (gnomAD no frequency). This variant has not been reported in the literature in individuals affected with TRMT5-related conditions. ClinVar contains an entry for this variant (Variation ID: 2116957). In summary, the available evidence is currently insufficient to determine the role of this variant in disease. Therefore, it has been classified as a Variant of Uncertain Significance.

NM_020810.3(TRMT5):c.580C>T (p.Gln194Ter)

Gene: TRMT5 (tRNA methyltransferase 5; minus strand). Cytogenetic location: 14q23.1.
Variant type: single nucleotide variant.
Coding change: c.580C>T on transcript NM_020810.3 (MANE Select); coding-DNA position 580, C replaced by T.
Protein change: p.Gln194Ter; replaces glutamine 194 with a stop codon.
Molecular consequence: nonsense.
Genome position (GRCh38, 1-based): chr14:60,979,318, G>A on the plus strand (C>T on the coding strand, the complement: TRMT5 is on the minus strand). VCF-style: chr14-60979318-G-A. GRCh37 (hg19) VCF-style: chr14-61446036-G-A.
Other names: c.664C>T, p.Gln222Ter (NM_001350253.1); c.661C>T, p.Gln221Ter (NM_001350254.1); short protein forms Q222*, Q221*, Q194*.
Identifiers: ClinVar variation 2116957 (VCV002116957.4), dbSNP rs2502992212, ClinGen allele CA389920596.